The following is an entry in ClinVar:

ClinVar aggregate classification (germline): Uncertain significance. Review status: criteria provided, multiple submitters, no conflicts (2 of 4 stars). 3 submissions from 3 submitters: Uncertain significance (3). Last evaluated 2025-08-18.

Conditions:
Inborn genetic diseases. Identifiers: MedGen C0950123, MeSH D030342.
Glycine encephalopathy. Also called: Non-ketotic hyperglycinemia; Nonketotic hyperglycinemia. Identifiers: Orphanet 407, MedGen C0751748, MONDO:0011612, HP:0008288.

Allele frequency attached by ClinVar (database versions not stated): ExAC 0.00002; gnomAD exomes 0.00002 and 0.00007; gnomAD 0.00003 and 0.00004; TOPMed 0.00005.
gnomAD v4.1: 111 of 1,614,034 alleles (0.0069%); highest among the groups gnomAD compares: Non-Finnish European, 0.0093%; no homozygotes.

Submissions (3):

Labcorp Genetics (formerly Invitae), Labcorp
Classification: Uncertain significance for Glycine encephalopathy. Last evaluated: 2025-08-18. Review status: criteria provided, single submitter. Criteria: Invitae Variant Classification Sherloc (09022015). Collection method: clinical testing. Allele origin: germline.
Comment: This sequence change replaces threonine, which is neutral and polar, with alanine, which is neutral and non-polar, at codon 135 of the AMT protein (p.Thr135Ala). This variant is present in population databases (rs768698117, gnomAD 0.005%). This variant has not been reported in the literature in individuals affected with AMT-related conditions. ClinVar contains an entry for this variant (Variation ID: 903334). Invitae Evidence Modeling of protein sequence and biophysical properties (such as structural, functional, and spatial information, amino acid conservation, physicochemical variation, residue mobility, and thermodynamic stability) indicates that this missense variant is not expected to disrupt AMT protein function with a negative predictive value of 95%. In summary, the available evidence is currently insufficient to determine the role of this variant in disease. Therefore, it has been classified as a Variant of Uncertain Significance.

Ambry Genetics
Classification: Uncertain significance for Inborn genetic diseases. Last evaluated: 2022-11-07. Review status: criteria provided, single submitter. Criteria: Ambry Variant Classification Scheme 2023. Collection method: clinical testing. Allele origin: germline.

Illumina Laboratory Services, Illumina
Classification: Uncertain significance for Glycine encephalopathy 1. Last evaluated: 2018-01-12. Review status: criteria provided, single submitter. Criteria: ICSL Variant Classification Criteria 13 December 2019. Collection method: clinical testing. Allele origin: germline.

NM_000481.4(AMT):c.403A>G (p.Thr135Ala)

Gene: AMT (aminomethyltransferase; minus strand). Cytogenetic location: 3p21.31.
Variant type: single nucleotide variant.
Coding change: c.403A>G on transcript NM_000481.4 (MANE Select); coding-DNA position 403, A replaced by G.
Protein change: p.Thr135Ala; replaces threonine 135 with alanine.
Molecular consequence: missense variant. On other transcripts: non-coding transcript variant (1), intron variant (1).
Genome position (GRCh38, 1-based): chr3:49,420,279, T>C on the plus strand (A>G on the coding strand, the complement: AMT is on the minus strand). VCF-style: chr3-49420279-T-C. GRCh37 (hg19) VCF-style: chr3-49457712-T-C.
Other names: c.235A>G, p.Thr79Ala (NM_001164711.2); c.403A>G, p.Thr135Ala (NM_001164712.2); c.340-491A>G (NM_001164710.2); short protein forms T79A, T135A.
Identifiers: ClinVar variation 903334 (VCV000903334.8), dbSNP rs768698117, ClinGen allele CA2398379.
Genomic context (GRCh38, chr3:49,420,279, plus strand): 5'-GGGCCAAATCTTTCTCCCAGCAGCCAGCGTTGGACACCACATACAGGTGGCCCTCAGAAG[T>C]ATTGGTTACAATCAAGTCATCTAAGATGCCTCCAGCCTCGTTGGTAAACAGCGACAGTGT-3'
Protein context (NP_000472.2, residues 125-145): GILDDLIVTN[Thr135Ala]SEGHLYVVSN